The following is an entry in ClinVar:

ClinVar aggregate classification (germline): Uncertain significance. Review status: criteria provided, multiple submitters, no conflicts (2 of 4 stars). 3 submissions from 3 submitters: Uncertain significance (2). 1 of the submissions does not count toward it. Last evaluated 2022-09-22.

Conditions:
CFAP410-related disorder. Also called: CFAP410-related condition.

Allele frequency attached by ClinVar (database versions not stated): ExAC 0.00002; gnomAD 0.00003; TOPMed 0.00004.
gnomAD v4.1: 14 of 1,609,998 alleles (0.00087%); highest among the groups gnomAD compares: Admixed American, 0.0017%; no homozygotes.

Submissions (3):

Blueprint Genetics
Classification: Uncertain significance. Last evaluated: 2022-09-22. Review status: criteria provided, single submitter. Criteria: ACMG Guidelines, 2015. Collection method: clinical testing. Allele origin: germline.

Labcorp Genetics (formerly Invitae), Labcorp
Classification: Uncertain significance. Last evaluated: 2022-09-13. Review status: criteria provided, single submitter. Criteria: Invitae Variant Classification Sherloc (09022015). Collection method: clinical testing. Allele origin: germline.
Comment: This sequence change replaces glycine, which is neutral and non-polar, with serine, which is neutral and polar, at codon 101 of the CFAP410 protein (p.Gly101Ser). This variant is present in population databases (rs780887106, gnomAD 0.003%). This variant has not been reported in the literature in individuals affected with CFAP410-related conditions. ClinVar contains an entry for this variant (Variation ID: 1413683). Advanced modeling of protein sequence and biophysical properties (such as structural, functional, and spatial information, amino acid conservation, physicochemical variation, residue mobility, and thermodynamic stability) performed at Invitae indicates that this missense variant is not expected to disrupt CFAP410 protein function. Algorithms developed to predict the effect of sequence changes on RNA splicing suggest that this variant may create or strengthen a splice site. In summary, the available evidence is currently insufficient to determine the role of this variant in disease. Therefore, it has been classified as a Variant of Uncertain Significance.

PreventionGenetics, part of Exact Sciences
Classification: Uncertain significance for CFAP410-related condition. Last evaluated: 2024-01-16. Review status: no assertion criteria provided. Collection method: clinical testing. Allele origin: germline. Not counted in ClinVar's aggregate classification.
Comment: The CFAP410 c.301G>A variant is predicted to result in the amino acid substitution p.Gly101Ser. To our knowledge, this variant has not been reported in the literature. This variant is reported in 0.0030% of alleles in individuals of Latino descent in gnomAD. At this time, the clinical significance of this variant is uncertain due to the absence of conclusive functional and genetic evidence.

NM_004928.3(CFAP410):c.301G>A (p.Gly101Ser)

Gene: CFAP410 (cilia and flagella associated protein 410; minus strand). Cytogenetic location: 21q22.3.
Variant type: single nucleotide variant.
Coding change: c.301G>A on transcript NM_004928.3 (MANE Select); coding-DNA position 301, G replaced by A.
Protein change: p.Gly101Ser; replaces glycine 101 with serine.
Molecular consequence: missense variant.
Genome position (GRCh38, 1-based): chr21:44,333,105, C>T on the plus strand (G>A on the coding strand, the complement: CFAP410 is on the minus strand). VCF-style: chr21-44333105-C-T. GRCh37 (hg19) VCF-style: chr21-45752988-C-T.
Other names: c.301G>A, p.Gly101Ser (NM_001271440.2, NM_001271441.2); c.178G>A, p.Gly60Ser (NM_001271442.1); c.301G>A (NM_004928.2); short protein forms G101S, G60S.
Identifiers: ClinVar variation 1413683 (VCV001413683.7), dbSNP rs780887106, ClinGen allele CA10053732.